The following is an entry in ClinVar:

NM_003924.4(PHOX2B):c.241+5G>A

Genes: PHOX2B (paired like homeobox 2B; minus strand), PHOX2B-AS1 (PHOX2B antisense RNA 1; plus strand). Cytogenetic location: 4p13.
Variant type: single nucleotide variant.
Coding change: c.241+5G>A on transcript NM_003924.4 (MANE Select); 5 bases into the intron after coding-DNA position 241, G replaced by A.
Molecular consequence: intron variant.
Genome position (GRCh38, 1-based): chr4:41,748,365, C>T on the plus strand (G>A on the coding strand, the complement: PHOX2B is on the minus strand). VCF-style: chr4-41748365-C-T. GRCh37 (hg19) VCF-style: chr4-41750382-C-T.
Identifiers: ClinVar variation 943610 (VCV000943610.10), dbSNP rs1733979107, ClinGen allele CA438979478.

ClinVar aggregate classification (germline): Uncertain significance. Review status: criteria provided, multiple submitters, no conflicts (2 of 4 stars). 2 submissions from 2 submitters: Uncertain significance (2). Last evaluated 2025-08-07.

Conditions:
Hereditary cancer-predisposing syndrome. Also called: Neoplastic Syndromes, Hereditary; Hereditary Cancer Syndrome; Tumor predisposition; Hereditary neoplastic syndrome. Identifiers: Orphanet 140162, MedGen C0027672, MeSH D009386, MONDO:0015356.
Haddad syndrome (OHD). Also called: Ondine-Hirschsprung disease. Identifiers: Orphanet 99803, MedGen C1859049, MONDO:0020493.

Allele frequency attached by ClinVar (database versions not stated): gnomAD exomes below 0.00001.

Submissions (2):

Labcorp Genetics (formerly Invitae), Labcorp
Classification: Uncertain significance for Haddad syndrome. Last evaluated: 2025-08-07. Review status: criteria provided, single submitter. Criteria: Invitae Variant Classification Sherloc (09022015). Collection method: clinical testing. Allele origin: germline.
Comment: This sequence change falls in intron 1 of the PHOX2B gene. It does not directly change the encoded amino acid sequence of the PHOX2B protein. It affects a nucleotide within the consensus splice site. This variant is not present in population databases (gnomAD no frequency). This variant has not been reported in the literature in individuals affected with PHOX2B-related conditions. ClinVar contains an entry for this variant (Variation ID: 943610). Variants that disrupt the consensus splice site are a relatively common cause of aberrant splicing (PMID: 17576681, 9536098). Algorithms developed to predict the effect of sequence changes on RNA splicing suggest that this variant is not likely to affect RNA splicing. In summary, the available evidence is currently insufficient to determine the role of this variant in disease. Therefore, it has been classified as a Variant of Uncertain Significance.

Ambry Genetics
Classification: Uncertain significance for Hereditary cancer-predisposing syndrome. Last evaluated: 2023-07-06. Review status: criteria provided, single submitter. Criteria: Ambry Variant Classification Scheme 2023. Collection method: clinical testing. Allele origin: germline.
Comment: The c.241+5G>A intronic variant results from a G to A substitution 5 nucleotides after coding exon 1 in the PHOX2B gene. This nucleotide position is highly conserved in available vertebrate species. In silico splice site analysis predicts that this alteration will not have any significant effect on splicing. Since supporting evidence is limited at this time, the clinical significance of this alteration remains unclear.

Literature cited by the submitters: PubMed 17576681 (cited by Labcorp Genetics (formerly Invitae), Labcorp); PubMed 9536098 (cited by Labcorp Genetics (formerly Invitae), Labcorp).